The following is an entry in ClinVar:

ClinVar aggregate classification (germline): Uncertain significance. Review status: criteria provided, multiple submitters, no conflicts (2 of 4 stars). 3 submissions from 3 submitters: Uncertain significance (3). Last evaluated 2025-12-29.

Conditions:
Pheochromocytoma/paraganglioma syndrome 5. Also called: Paragangliomas 5; SDHA-Related Hereditary Paraganglioma-Pheochromocytoma Syndrome. Identifiers: Orphanet 29072, MedGen C3279992, MONDO:0013602, OMIM 614165.
Mitochondrial complex II deficiency, nuclear type 1. Also called: SUCCINATE CoQ REDUCTASE DEFICIENCY. Identifiers: Orphanet 3208, MedGen C5700310, MONDO:0100294, OMIM 252011.
Hereditary cancer-predisposing syndrome. Also called: Hereditary Cancer Syndrome; Tumor predisposition; Neoplastic Syndromes, Hereditary; Hereditary neoplastic syndrome. Identifiers: Orphanet 140162, MedGen C0027672, MeSH D009386, MONDO:0015356.

Submissions (3):

Labcorp Genetics (formerly Invitae), Labcorp
Classification: Uncertain significance for Pheochromocytoma/paraganglioma syndrome 5; Mitochondrial complex II deficiency, nuclear type 1. Last evaluated: 2025-12-29. Review status: criteria provided, single submitter. Criteria: Invitae Variant Classification Sherloc (09022015). Collection method: clinical testing. Allele origin: germline.
Comment: This sequence change replaces cysteine, which is neutral and slightly polar, with serine, which is neutral and polar, at codon 475 of the SDHA protein (p.Cys475Ser). This variant is present in population databases (rs748567636, gnomAD 0.0009%). This variant has not been reported in the literature in individuals affected with SDHA-related conditions. ClinVar contains an entry for this variant (Variation ID: 539640). Invitae Evidence Modeling of protein sequence and biophysical properties (such as structural, functional, and spatial information, amino acid conservation, physicochemical variation, residue mobility, and thermodynamic stability) indicates that this missense variant is not expected to disrupt SDHA protein function with a negative predictive value of 95%. In summary, the available evidence is currently insufficient to determine the role of this variant in disease. Therefore, it has been classified as a Variant of Uncertain Significance.

Ambry Genetics
Classification: Uncertain significance for Hereditary cancer-predisposing syndrome. Last evaluated: 2023-05-04. Review status: criteria provided, single submitter. Criteria: Ambry Variant Classification Scheme 2023. Collection method: clinical testing. Allele origin: germline.
Comment: The p.C475S variant (also known as c.1424G>C), located in coding exon 10 of the SDHA gene, results from a G to C substitution at nucleotide position 1424. The cysteine at codon 475 is replaced by serine, an amino acid with dissimilar properties. This amino acid position is conserved. In addition, this alteration is predicted to be tolerated by in silico analysis. Since supporting evidence is limited at this time, the clinical significance of this alteration remains unclear.

CeGaT Center for Human Genetics Tuebingen
Classification: Uncertain significance. Last evaluated: 2023-02-01. Review status: criteria provided, single submitter. Criteria: CeGaT Center For Human Genetics Tuebingen Variant Classification Criteria Version 2. Collection method: clinical testing. Allele origin: germline. Affected: yes. Observed: 1 variant allele.
Comment: SDHA: PM2

NM_004168.4(SDHA):c.1424G>C (p.Cys475Ser)

Gene: SDHA (succinate dehydrogenase complex flavoprotein subunit A; plus strand). Cytogenetic location: 5p15.33.
Variant type: single nucleotide variant.
Coding change: c.1424G>C on transcript NM_004168.4 (MANE Select); coding-DNA position 1424, G replaced by C.
Protein change: p.Cys475Ser; replaces cysteine 475 with serine.
Molecular consequence: missense variant.
Genome position (GRCh38, 1-based): chr5:236,591, G>C. VCF-style: chr5-236591-G-C. GRCh37 (hg19) VCF-style: chr5-236706-G-C.
Other names: c.1280G>C, p.Cys427Ser (NM_001294332.2); c.1424G>C, p.Cys475Ser (NM_001330758.2); c.1424G>C (NM_004168.2); short protein forms C475S, C427S.
Identifiers: ClinVar variation 539640 (VCV000539640.35), dbSNP rs748567636, ClinGen allele CA3173221.